The following is an entry in ClinVar:

NM_001374736.1(DST):c.13004A>T (p.Lys4335Met)

Gene: DST (dystonin; minus strand). Cytogenetic location: 6p12.1.
Variant type: single nucleotide variant.
Coding change: c.13004A>T on transcript NM_001374736.1 (MANE Select); coding-DNA position 13004, A replaced by T.
Protein change: p.Lys4335Met; replaces lysine 4335 with methionine.
Molecular consequence: missense variant.
Genome position (GRCh38, 1-based): chr6:56,578,837, T>A on the plus strand (A>T on the coding strand, the complement: DST is on the minus strand). VCF-style: chr6-56578837-T-A. GRCh37 (hg19) VCF-style: chr6-56443635-T-A.
Other names: c.6647A>T, p.Lys2216Met (NM_001144769.5); c.6233A>T, p.Lys2078Met (NM_001144770.2); c.13004A>T, p.Lys4335Met (NM_001374722.1); c.12371A>T, p.Lys4124Met (NM_001374729.1); c.6113A>T, p.Lys2038Met (NM_001374730.1, NM_001386100.1, NM_183380.4); c.13031A>T, p.Lys4344Met (NM_001374734.1); c.5135A>T, p.Lys1712Met (NM_015548.5); short protein forms K1712M, K2216M, K4344M, K2078M, K4124M, K4335M, K2038M.
Identifiers: ClinVar variation 1955621 (VCV001955621.5), dbSNP rs768473686, ClinGen allele CA3868320.

ClinVar aggregate classification (germline): Uncertain significance (1 of 4 stars; one submission).

Conditions:
Hereditary sensory and autonomic neuropathy type 6. Also called: Neuropathy, hereditary sensory and autonomic, type VI; HSAN VI. Identifiers: Orphanet 314381, MedGen C3539003, MONDO:0013839, OMIM 614653.
Epidermolysis bullosa simplex 3, localized or generalized intermediate, with BP230 deficiency (EBS3). Also called: Epidermolysis bullosa simplex due to BP230 deficiency; Epidermolysis bullosa simplex, autosomal recessive 2. Identifiers: Orphanet 412181, MedGen C3809470, MONDO:0014180, OMIM 615425.

Allele frequency attached by ClinVar (database versions not stated): gnomAD exomes below 0.00001; ExAC 0.00001.
gnomAD v4.1: 2 of 1,612,198 alleles (0.00012%); highest among the groups gnomAD compares: Non-Finnish European, 0.00017%; no homozygotes.

Submission:

Labcorp Genetics (formerly Invitae), Labcorp
Classification: Uncertain significance for Epidermolysis bullosa simplex 3, localized or generalized intermediate, with BP230 deficiency; Hereditary sensory and autonomic neuropathy type 6. Last evaluated: 2022-01-05. Review status: criteria provided, single submitter. Criteria: Invitae Variant Classification Sherloc (09022015). Collection method: clinical testing. Allele origin: germline.
Comment: In summary, the available evidence is currently insufficient to determine the role of this variant in disease. Therefore, it has been classified as a Variant of Uncertain Significance. Experimental studies and prediction algorithms are not available or were not evaluated, and the functional significance of this variant is currently unknown. This variant has not been reported in the literature in individuals affected with DST-related conditions. This variant is present in population databases (rs768473686, gnomAD 0.0009%). This sequence change replaces lysine, which is basic and polar, with methionine, which is neutral and non-polar, at codon 1712 of the DST protein (p.Lys1712Met). The DST gene has multiple clinically relevant transcripts. This variant occurs in alternate transcript NM_015548.4, and corresponds to NM_001723.5:c.*36680A>T in the primary transcript.